The following is an entry in ClinVar:

NM_006610.4(MASP2):c.455_469dup (p.Cys156_His157insArgAspHisHisCys)

Gene: MASP2 (MBL associated serine protease 2; minus strand). Cytogenetic location: 1p36.22.
Variant type: Duplication.
Coding change: c.455_469dup on transcript NM_006610.4 (MANE Select); coding-DNA positions 455 to 469, 15 bases duplicated (GCGACCACCACTGCC).
Protein change: p.Cys156_His157insArgAspHisHisCys.
Genome position (GRCh38, 1-based): chr1:11,045,483-11,045,497, GGCAGTGGTGGTCGC duplicated on the plus strand (GCGACCACCACTGCC on the coding strand, the reverse complement: MASP2 is on the minus strand). VCF-style (leftmost placement, unchanged base first): chr1-11045482-T-TGGCAGTGGTGGTCGC. GRCh37 (hg19) VCF-style: chr1-11105539-T-TGGCAGTGGTGGTCGC.
Other names: c.455_469dup, p.Cys156_His157insArgAspHisHisCys (NM_139208.3); c.455_469dup15 (NM_006610.4).
Identifiers: ClinVar variation 4847901 (VCV004847901.1).
Genomic context (GRCh38, chr1:11,045,482, plus strand): 5'-TTGTTACGGTGCAGGACGTAGCCTGCGCGGCAGGAGCAGTAGAAACCGCCCAGGTGGTTG[T>TGGCAGTGGTGGTCGC]GGCAGTGGTGGTCGCAGGTGGGCGCCTCTCCCGGGGCCACCTGGCACTCGTCAATGTCTG-3'

ClinVar aggregate classification (germline): Uncertain significance (1 of 4 stars; one submission).

Submission:

Women's Health and Genetics/Laboratory Corporation of America, LabCorp
Classification: Uncertain significance. Last evaluated: 2026-02-11. Review status: criteria provided, single submitter. Criteria: LabCorp Variant Classification Summary - May 2015. Collection method: clinical testing. Allele origin: germline.
Comment: Variant summary: MASP2 c.455_469dup15 (p.Cys156_His157insArgAspHisHisCys) results in an in-frame insertion that is predicted to insert five amino acids into the encoded protein. The variant was absent in 248938 control chromosomes. The available data on variant occurrences in the general population are insufficient to allow any conclusion about variant significance. To our knowledge, no occurrence of c.455_469dup15 in individuals affected with MASP2-related conditions and no experimental evidence demonstrating its impact on protein function have been reported. No submitters have cited clinical-significance assessments for this variant to ClinVar. Based on the evidence outlined above, the variant was classified as uncertain significance.